The following is an entry in ClinVar:

ClinVar aggregate classification (germline): Uncertain significance (1 of 4 stars; one submission).

Conditions:
Deficiency of alpha-mannosidase (MANSA). Also called: Alpha-Mannosidosis; LYSOSOMAL ALPHA-D-MANNOSIDASE DEFICIENCY; Mannosidosis, alpha-, types I and II. Identifiers: Orphanet 61, MedGen C0024748, MONDO:0009561, OMIM 248500.

Allele frequency attached by ClinVar (database versions not stated): TOPMed below 0.00001.

Submission:

Labcorp Genetics (formerly Invitae), Labcorp
Classification: Uncertain significance for Deficiency of alpha-mannosidase. Last evaluated: 2021-12-03. Review status: criteria provided, single submitter. Criteria: Invitae Variant Classification Sherloc (09022015). Collection method: clinical testing. Allele origin: germline.
Comment: This sequence change replaces isoleucine, which is neutral and non-polar, with valine, which is neutral and non-polar, at codon 498 of the MAN2B1 protein (p.Ile498Val). This variant is not present in population databases (gnomAD no frequency). This variant has not been reported in the literature in individuals affected with MAN2B1-related conditions. Algorithms developed to predict the effect of missense changes on protein structure and function output the following: SIFT: "Tolerated"; PolyPhen-2: "Benign"; Align-GVGD: "Class C0". The valine amino acid residue is found in multiple mammalian species, which suggests that this missense change does not adversely affect protein function. Algorithms developed to predict the effect of sequence changes on RNA splicing suggest that this variant may create or strengthen a splice site. In summary, the available evidence is currently insufficient to determine the role of this variant in disease. Therefore, it has been classified as a Variant of Uncertain Significance.

NM_000528.4(MAN2B1):c.1492A>G (p.Ile498Val)

Gene: MAN2B1 (mannosidase alpha class 2B member 1; minus strand). Cytogenetic location: 19p13.13.
Variant type: single nucleotide variant.
Coding change: c.1492A>G on transcript NM_000528.4 (MANE Select); coding-DNA position 1492, A replaced by G.
Protein change: p.Ile498Val; replaces isoleucine 498 with valine.
Molecular consequence: missense variant.
Genome position (GRCh38, 1-based): chr19:12,656,984, T>C on the plus strand (A>G on the coding strand, the complement: MAN2B1 is on the minus strand). VCF-style: chr19-12656984-T-C. GRCh37 (hg19) VCF-style: chr19-12767798-T-C.
Other names: c.1489A>G, p.Ile497Val (NM_001173498.2); short protein forms I497V, I498V.
Identifiers: ClinVar variation 1483047 (VCV001483047.5), dbSNP rs1339651416, ClinGen allele CA404246245.